The following is an entry in ClinVar:

NM_003801.4(GPAA1):c.1114G>A (p.Gly372Ser)

Gene: GPAA1 (glycosylphosphatidylinositol anchor attachment 1; plus strand). Cytogenetic location: 8q24.3.
Variant type: single nucleotide variant.
Coding change: c.1114G>A on transcript NM_003801.4 (MANE Select); coding-DNA position 1114, G replaced by A.
Protein change: p.Gly372Ser; replaces glycine 372 with serine.
Molecular consequence: missense variant.
Genome position (GRCh38, 1-based): chr8:144,084,825, G>A. VCF-style: chr8-144084825-G-A. GRCh37 (hg19) VCF-style: chr8-145139728-G-A.
Other names: short protein forms G372S.
Identifiers: ClinVar variation 1425750 (VCV001425750.10), dbSNP rs782541041, ClinGen allele CA4933047.

ClinVar aggregate classification (germline): Uncertain significance. Review status: criteria provided, multiple submitters, no conflicts (2 of 4 stars). 2 submissions from 2 submitters: Uncertain significance (2). Last evaluated 2024-04-10.

Allele frequency attached by ClinVar (database versions not stated): TOPMed 0.00004; gnomAD 0.00010 and 0.00011.

Submissions (3):

Labcorp Genetics (formerly Invitae), Labcorp
Classification: Uncertain significance. Last evaluated: 2024-04-10. Review status: criteria provided, single submitter. Criteria: Invitae Variant Classification Sherloc (09022015). Collection method: clinical testing. Allele origin: germline.
Comment: This sequence change replaces glycine, which is neutral and non-polar, with serine, which is neutral and polar, at codon 372 of the GPAA1 protein (p.Gly372Ser). This variant is present in population databases (rs782541041, gnomAD 0.01%). This variant has not been reported in the literature in individuals affected with GPAA1-related conditions. ClinVar contains an entry for this variant (Variation ID: 1425750). Advanced modeling of protein sequence and biophysical properties (such as structural, functional, and spatial information, amino acid conservation, physicochemical variation, residue mobility, and thermodynamic stability) performed at Invitae indicates that this missense variant is not expected to disrupt GPAA1 protein function with a negative predictive value of 80%. In summary, the available evidence is currently insufficient to determine the role of this variant in disease. Therefore, it has been classified as a Variant of Uncertain Significance.

Blueprint Genetics
Classification: Uncertain significance. Last evaluated: 2022-11-09. Review status: criteria provided, single submitter. Criteria: ACMG Guidelines, 2015. Collection method: clinical testing. Allele origin: germline.

Dr. Peter K. Rogan Lab, Western University
No classification provided (evidence only). Condition: Hepatocellular carcinoma. Review status: no classification provided. Collection method: in vitro. Allele origin: not applicable. Functional consequence: retained intron. Not counted in ClinVar's aggregate classification.